The following is an entry in ClinVar:

NM_001127511.3(APC):c.-111G>A

Gene: APC (APC regulator of Wnt signaling pathway; plus strand). Cytogenetic location: 5q22.2.
Variant type: single nucleotide variant.
Coding change: c.-111G>A on transcript NM_001127511.3; 111 bases upstream of the start codon, G replaced by A.
Molecular consequence: 5 prime UTR variant. On other transcripts: non-coding transcript variant (2).
Genome position (GRCh38, 1-based): chr5:112,707,607, G>A. VCF-style: chr5-112707607-G-A. GRCh37 (hg19) VCF-style: chr5-112043304-G-A.
Other names: c.-294G>A (NM_001354895.2, NM_001407447.1, NM_001407452.1 and 3 more transcripts); c.-111G>A (NM_001354897.2, NM_001354902.2, NM_001407446.1); c.-61G>A (NM_001407448.1, NM_001407450.1, NM_001407457.1 and 1 more transcripts); c.-85G>A (NM_001407453.1); c.-1329G>A (NM_001407470.1, NM_001407472.1).
Identifiers: ClinVar variation 1035744 (VCV001035744.7), dbSNP rs1750587691, ClinGen allele CA1573442531.

ClinVar aggregate classification (germline): Uncertain significance (1 of 4 stars; one submission).

Conditions:
Familial adenomatous polyposis 1 (FAP1). Also called: FAMILIAL ADENOMATOUS POLYPOSIS 1, ATTENUATED; POLYPOSIS, ADENOMATOUS INTESTINAL. Identifiers: MedGen C2713442, MONDO:0021056, OMIM 175100. Disease mechanism: loss of function.

Allele frequency attached by ClinVar (database versions not stated): gnomAD exomes below 0.00001.
gnomAD v4.1: 3 of 1,200,630 alleles (0.00025%); highest among the groups gnomAD compares: Non-Finnish European, 0.00034%; no homozygotes.

Submission:

Labcorp Genetics (formerly Invitae), Labcorp
Classification: Uncertain significance for Familial adenomatous polyposis 1. Last evaluated: 2025-10-19. Review status: criteria provided, single submitter. Criteria: Invitae Variant Classification Sherloc (09022015). Collection method: clinical testing. Allele origin: germline.
Comment: This variant occurs in a non-coding region of the APC gene. It does not change the encoded amino acid sequence of the APC protein. This variant is not present in population databases (gnomAD no frequency). This variant has not been reported in the literature in individuals affected with APC-related conditions. Experimental studies and prediction algorithms are not available or were not evaluated, and the functional significance of this variant is currently unknown. In summary, the available evidence is currently insufficient to determine the role of this variant in disease. Therefore, it has been classified as a Variant of Uncertain Significance.